The following is an entry in ClinVar:

NM_001009944.3(PKD1):c.7065+20C>T

Gene: PKD1 (polycystin 1, transient receptor potential channel interacting; minus strand). Cytogenetic location: 16p13.3.
Variant type: single nucleotide variant.
Coding change: c.7065+20C>T on transcript NM_001009944.3 (MANE Select); 20 bases into the intron after coding-DNA position 7065, C replaced by T.
Molecular consequence: intron variant.
Genome position (GRCh38, 1-based): chr16:2,107,863, G>A on the plus strand (C>T on the coding strand, the complement: PKD1 is on the minus strand). VCF-style: chr16-2107863-G-A. GRCh37 (hg19) VCF-style: chr16-2157864-G-A.
Other names: c.7065+20C>T (NM_000296.4).
Identifiers: ClinVar variation 976805 (VCV000976805.3), dbSNP rs181822446, ClinGen allele CA7831328.

ClinVar aggregate classification (germline): Benign/Likely benign. Review status: criteria provided, multiple submitters, no conflicts (2 of 4 stars). 3 submissions from 3 submitters: Benign (2); Likely benign (1). Last evaluated 2026-04-21.

Conditions:
Autosomal dominant polycystic kidney disease. Identifiers: Orphanet 730, MedGen C0085413, MONDO:0004691.

Allele frequency attached by ClinVar (database versions not stated): gnomAD exomes 0.00022 and 0.00043; ExAC 0.00086; ESP Exome Variant Server 0.00111; 1000 Genomes Project 30x 0.00187; gnomAD 0.00226 and 0.00247; 1000 Genomes Project 0.00240; TOPMed 0.00246.

Submissions (3):

Women's Health and Genetics/Laboratory Corporation of America, LabCorp
Classification: Benign. Last evaluated: 2026-04-21. Review status: criteria provided, single submitter. Criteria: LabCorp Variant Classification Summary - May 2015. Collection method: clinical testing. Allele origin: germline.
Comment: Variant summary: PKD1 c.7065+20C>T alters a nucleotide located at a position not widely known to affect splicing. Consensus agreement among computation tools predict no significant impact on normal splicing. However, these predictions have yet to be confirmed by functional studies. The variant allele was found at a frequency of 0.00043 in 144122 control chromosomes, predominantly at a frequency of 0.0067 within the African or African-American subpopulation in the gnomAD database. The observed variant frequency within African or African-American control individuals in the gnomAD database exceeds the estimated maximal expected allele frequency for disease-causing variants in PKD1. To our knowledge, no occurrence of c.7065+20C>T in individuals affected with PKD1-related conditions and no experimental evidence demonstrating its impact on protein function have been reported. ClinVar contains an entry for this variant (Variation ID: 976805). Based on the evidence outlined above, the variant was classified as benign.

Blueprint Genetics
Classification: Likely benign. Last evaluated: 2024-09-23. Review status: criteria provided, single submitter. Criteria: ACMG Guidelines, 2015. Collection method: clinical testing. Allele origin: germline.

Molecular Genetics of Inherited Kidney Disorders Laboratory, Garvan Institute of Medical Research
Classification: Benign for Autosomal dominant polycystic kidney disease. Last evaluated: 2019-01-01. Review status: criteria provided, single submitter. Criteria: ACMG Guidelines, 2015. Collection method: research. Allele origin: germline. Affected: yes.